The following is an entry in ClinVar:

NM_001709.5(BDNF):c.287T>G (p.Leu96Arg)

Genes: BDNF (brain derived neurotrophic factor; minus strand), BDNF-AS (BDNF antisense RNA; plus strand). Cytogenetic location: 11p14.1.
Variant type: single nucleotide variant.
Coding change: c.287T>G on transcript NM_001709.5 (MANE Select); coding-DNA position 287, T replaced by G.
Protein change: p.Leu96Arg; replaces leucine 96 with arginine.
Molecular consequence: missense variant. On other transcripts: non-coding transcript variant (5).
Genome position (GRCh38, 1-based): chr11:27,658,278, A>C on the plus strand (T>G on the coding strand, the complement: BDNF is on the minus strand). VCF-style: chr11-27658278-A-C. GRCh37 (hg19) VCF-style: chr11-27679825-A-C.
Other names: c.287T>G, p.Leu96Arg (NM_001143805.1, NM_001143806.1, NM_001143807.2 and 9 more transcripts); c.374T>G, p.Leu125Arg (NM_001143809.2); c.533T>G, p.Leu178Arg (NM_001143810.2); c.311T>G, p.Leu104Arg (NM_170731.5); c.332T>G, p.Leu111Arg (NM_170734.4); short protein forms L111R, L96R, L125R, L178R, L104R.
Identifiers: ClinVar variation 4996894 (VCV004996894.1).

ClinVar aggregate classification (germline): Uncertain significance (1 of 4 stars; one submission).

Conditions:
BDNF-related disorder. Also called: BDNF-related condition.

Submission:

PreventionGenetics, part of Exact Sciences
Classification: Uncertain significance for BDNF-related condition. Last evaluated: 2024-11-02. Review status: criteria provided, single submitter. Criteria: ACMG Guidelines, 2015. Collection method: clinical testing. Allele origin: germline.
Comment: The BDNF c.533T>G variant is predicted to result in the amino acid substitution p.Leu178Arg. To our knowledge, this variant has not been reported in the literature or in a large population database (gnomAD), indicating this variant is rare. At this time, the clinical significance of this variant is uncertain due to the absence of conclusive functional and genetic evidence.